The following is an entry in ClinVar:

ClinVar aggregate classification (germline): Uncertain significance (1 of 4 stars; one submission).

Conditions:
SPEN-related disorder. Also called: SPEN-related condition.

gnomAD v4.1: 1 of 1,614,030 alleles (0.000062%); highest among the groups gnomAD compares: African/African-American, 0.0013%; no homozygotes.

Submission:

PreventionGenetics, part of Exact Sciences
Classification: Uncertain significance for SPEN-related condition. Last evaluated: 2025-12-17. Review status: criteria provided, single submitter. Criteria: ACMG Guidelines, 2015. Collection method: clinical testing. Allele origin: germline.
Comment: The SPEN c.4023C>A variant is predicted to result in the amino acid substitution p.Asp1341Glu. To our knowledge, this variant has not been reported in the literature. This variant is reported in 0.0081% of alleles in individuals of African descent in gnomAD. At this time, the clinical significance of this variant is uncertain due to the absence of conclusive functional and genetic evidence.

NM_015001.3(SPEN):c.4023C>A (p.Asp1341Glu)

Gene: SPEN (spen family transcriptional repressor; plus strand). Cytogenetic location: 1p36.13.
Variant type: single nucleotide variant.
Coding change: c.4023C>A on transcript NM_015001.3 (MANE Select); coding-DNA position 4023, C replaced by A.
Protein change: p.Asp1341Glu; replaces aspartic acid 1341 with glutamic acid.
Molecular consequence: missense variant.
Genome position (GRCh38, 1-based): chr1:15,930,263, C>A. VCF-style: chr1-15930263-C-A. GRCh37 (hg19) VCF-style: chr1-16256758-C-A.
Other names: short protein forms D1341E.
Identifiers: ClinVar variation 4984052 (VCV004984052.1).
Genomic context (GRCh38, chr1:15,930,263, plus strand): 5'-AGATATGGCCAAAATAAAACTATCTGTCTTGAATTCTGAAGATGAACTAAATCGTTGGGA[C>A]TCTCAGATGAAACAGGATGCTGGCAGATTTGATGTGAGTTTCCCAAACAGCATAATTAAG-3'
Protein context (NP_055816.2, residues 1331-1351): LNSEDELNRW[Asp1341Glu]SQMKQDAGRF